The following is an entry in ClinVar:

NM_203486.3(DLL3):c.1385C>T (p.Ala462Val)

Gene: DLL3 (delta like canonical Notch ligand 3; plus strand). Cytogenetic location: 19q13.2.
Variant type: single nucleotide variant.
Coding change: c.1385C>T on transcript NM_203486.3 (MANE Select); coding-DNA position 1385, C replaced by T.
Protein change: p.Ala462Val; replaces alanine 462 with valine.
Molecular consequence: missense variant.
Genome position (GRCh38, 1-based): chr19:39,507,330, C>T. VCF-style: chr19-39507330-C-T. GRCh37 (hg19) VCF-style: chr19-39997970-C-T.
Other names: c.1385C>T, p.Ala462Val (NM_016941.4); short protein forms A462V.
Identifiers: ClinVar variation 1003375 (VCV001003375.7), dbSNP rs978319698, ClinGen allele CA308227479.

ClinVar aggregate classification (germline): Uncertain significance (1 of 4 stars; one submission).

Allele frequency attached by ClinVar (database versions not stated): gnomAD exomes 0.00004; TOPMed 0.00005; 1000 Genomes Project 30x 0.00016.

Submission:

Labcorp Genetics (formerly Invitae), Labcorp
Classification: Uncertain significance. Last evaluated: 2022-02-09. Review status: criteria provided, single submitter. Criteria: Invitae Variant Classification Sherloc (09022015). Collection method: clinical testing. Allele origin: germline.
Comment: This sequence change replaces alanine, which is neutral and non-polar, with valine, which is neutral and non-polar, at codon 462 of the DLL3 protein (p.Ala462Val). The frequency data for this variant in the population databases is considered unreliable, as metrics indicate poor data quality at this position in the gnomAD database. This variant has not been reported in the literature in individuals affected with DLL3-related conditions. ClinVar contains an entry for this variant (Variation ID: 1003375). Algorithms developed to predict the effect of missense changes on protein structure and function output the following: SIFT: "Tolerated"; PolyPhen-2: "Benign"; Align-GVGD: "Class C0". The valine amino acid residue is found in multiple mammalian species, which suggests that this missense change does not adversely affect protein function. In summary, the available evidence is currently insufficient to determine the role of this variant in disease. Therefore, it has been classified as a Variant of Uncertain Significance.